The following is an entry in ClinVar:

ClinVar aggregate classification (germline): Conflicting classifications of pathogenicity. Review status: criteria provided, conflicting classifications (1 of 4 stars). 3 submissions from 3 submitters: Uncertain significance (2); Benign (1). Last evaluated 2025-10-24.

Conditions:
Hereditary cancer-predisposing syndrome. Also called: Tumor predisposition; Hereditary Cancer Syndrome; Neoplastic Syndromes, Hereditary; Hereditary neoplastic syndrome. Identifiers: Orphanet 140162, MedGen C0027672, MeSH D009386, MONDO:0015356.
Breast-ovarian cancer, familial, susceptibility to, 3. Also called: RAD51C-Related Breast/Ovarian Cancer. Identifiers: Orphanet 145, MedGen C3150659, MONDO:0013253, OMIM 613399.
Fanconi anemia complementation group O. Also called: RAD51C-Related Fanconi Anemia. Identifiers: Orphanet 84, MedGen C3150653, MONDO:0013248, OMIM 613390.

Submissions (3):

Ambry Genetics
Classification: Benign for Hereditary cancer-predisposing syndrome. Last evaluated: 2025-10-24. Review status: criteria provided, single submitter. Criteria: Ambry Variant Classification Scheme 2023. Collection method: clinical testing. Allele origin: germline.

Baylor Genetics
Classification: Uncertain significance for Breast-ovarian cancer, familial, susceptibility to, 3. Last evaluated: 2023-11-26. Review status: criteria provided, single submitter. Criteria: ACMG Guidelines, 2015. Collection method: clinical testing. Allele origin: unknown.

Labcorp Genetics (formerly Invitae), Labcorp
Classification: Uncertain significance for Fanconi anemia complementation group O. Last evaluated: 2022-07-10. Review status: criteria provided, single submitter. Criteria: Invitae Variant Classification Sherloc (09022015). Collection method: clinical testing. Allele origin: germline.
Comment: In summary, the available evidence is currently insufficient to determine the role of this variant in disease. Therefore, it has been classified as a Variant of Uncertain Significance. Algorithms developed to predict the effect of missense changes on protein structure and function (SIFT, PolyPhen-2, Align-GVGD) all suggest that this variant is likely to be tolerated. This variant has not been reported in the literature in individuals affected with RAD51C-related conditions. This variant is not present in population databases (gnomAD no frequency). This sequence change replaces threonine, which is neutral and polar, with alanine, which is neutral and non-polar, at codon 96 of the RAD51C protein (p.Thr96Ala).

NM_058216.3(RAD51C):c.286A>G (p.Thr96Ala)

Gene: RAD51C (RAD51 paralog C; plus strand). Cytogenetic location: 17q22.
Variant type: single nucleotide variant.
Coding change: c.286A>G on transcript NM_058216.3 (MANE Select); coding-DNA position 286, A replaced by G.
Protein change: p.Thr96Ala; replaces threonine 96 with alanine.
Molecular consequence: missense variant. On other transcripts: non-coding transcript variant (2).
Genome position (GRCh38, 1-based): chr17:58,695,071, A>G. VCF-style: chr17-58695071-A-G. GRCh37 (hg19) VCF-style: chr17-56772432-A-G.
Other names: c.286A>G, p.Thr96Ala (NM_002876.4, NM_058217.1); short protein forms T96A.
Identifiers: ClinVar variation 2110767 (VCV002110767.8), dbSNP rs2047950932, ClinGen allele CA400340855.
Genomic context (GRCh38, chr17:58,695,071, plus strand): 5'-GCTGGTACATCTGAGTCACACAAGAAGTGTACAGCACTGGAACTTCTTGAGCAGGAGCAT[A>G]CCCAGGGCTTCATAATCACCTTCTGTTCAGCACTAGATGATATTCTTGGGGGTGGAGTGC-3'
Protein context (NP_478123.1, residues 86-106): TALELLEQEH[Thr96Ala]QGFIITFCSA